The following is an entry in ClinVar:

ClinVar aggregate classification (germline): Uncertain significance (1 of 4 stars; one submission).

Submission:

Labcorp Genetics (formerly Invitae), Labcorp
Classification: Uncertain significance. Last evaluated: 2025-09-22. Review status: criteria provided, single submitter. Criteria: Invitae Variant Classification Sherloc (09022015). Collection method: clinical testing. Allele origin: germline.
Comment: This sequence change replaces alanine, which is neutral and non-polar, with isoleucine, which is neutral and non-polar, at codon 30 of the DDX58 protein (p.Ala30Ile). This variant is present in population databases (no rsID available, gnomAD 0.006%). This variant has not been reported in the literature in individuals affected with DDX58-related conditions. ClinVar contains an entry for this variant (Variation ID: 1436562). An algorithm developed to predict the effect of missense changes on protein structure and function (PolyPhen-2) suggests that this variant is likely to be tolerated. In summary, the available evidence is currently insufficient to determine the role of this variant in disease. Therefore, it has been classified as a Variant of Uncertain Significance.

NM_014314.4(RIGI):c.88_89delinsAT (p.Ala30Ile)

Gene: RIGI (RNA sensor RIG-I; minus strand). Cytogenetic location: 9p21.1.
Variant type: Indel.
Coding change: c.88_89delinsAT on transcript NM_014314.4 (MANE Select); coding-DNA positions 88 to 89, GC replaced by AT.
Protein change: p.Ala30Ile; replaces alanine 30 with isoleucine.
Molecular consequence: missense variant. On other transcripts: 5 prime UTR variant (3).
Genome position (GRCh38, 1-based): chr9:32,526,078-32,526,079, GC replaced by AT on the plus strand (GC replaced by AT on the coding strand, the reverse complement: RIGI is on the minus strand). VCF-style: chr9-32526078-GC-AT. GRCh37 (hg19) VCF-style: chr9-32526076-GC-AT.
Other names: c.88_89delinsAT, p.Ala30Ile (NM_001385907.1, NM_001385909.1, NM_001385913.1); c.-367_-366delinsAT (NM_001385910.1, NM_001385914.1); c.-374_-373delinsAT (NM_001385912.1); short protein forms A30I.
Identifiers: ClinVar variation 1436562 (VCV001436562.6), dbSNP rs2118941357, ClinGen allele CA2573144628.